The following is an entry in ClinVar:

NM_033380.3(COL4A5):c.802_817del (p.Pro268fs)

Gene: COL4A5 (collagen type IV alpha 5 chain; plus strand). Cytogenetic location: Xq22.3.
Variant type: Deletion.
Coding change: c.802_817del on transcript NM_033380.3 (MANE Select); coding-DNA positions 802 to 817, 16 bases deleted (CCTCCTGGACCTCCAG).
Protein change: p.Pro268fs; shifts the reading frame from proline 268.
Molecular consequence: frameshift variant.
Genome position (GRCh38, 1-based): chrX:108,580,554-108,580,569, CCTCCTGGACCTCCAG deleted; deleting any 16 consecutive bases within chrX:108,580,553-108,580,569 gives the same sequence; the c. name uses the placement nearest the transcript's 3' end. VCF-style (leftmost placement, unchanged base first): chrX-108580552-GGCCTCCTGGACCTCCA-G. GRCh37 (hg19) VCF-style: chrX-107823782-GGCCTCCTGGACCTCCA-G.
Other names: c.802_817del, p.Pro268fs (NM_000495.5); short protein forms P268fs.
Identifiers: ClinVar variation 3068397 (VCV003068397.1), dbSNP rs2524243984, ClinGen allele CA2825002915.

ClinVar aggregate classification (germline): Pathogenic (1 of 4 stars; one submission).

Conditions:
X-linked Alport syndrome (ATS1). Also called: COL4A5-Related Nephropathy; NEPHROPATHY AND DEAFNESS, X-LINKED. Identifiers: Orphanet 63, Orphanet 88917, MedGen C4746986, MONDO:0010520, OMIM 301050.

Submission:

MVZ Medizinische Genetik Mainz
Classification: Pathogenic for X-linked Alport syndrome. Last evaluated: 2023-04-14. Review status: criteria provided, single submitter. Criteria: UK Practice Guidelines For Variant Classification V4 01 2020. Collection method: clinical testing. Allele origin: germline. Inheritance: X-linked dominant inheritance. Affected: yes. Observed: 1 variant allele.
Comment: ACMG Criteria: PVS1,PM2_SUP,PP4